The following is an entry in ClinVar:

NM_001015880.2(PAPSS2):c.1093A>G (p.Met365Val)

Gene: PAPSS2 (3'-phosphoadenosine 5'-phosphosulfate synthase 2; plus strand). Cytogenetic location: 10q23.31.
Variant type: single nucleotide variant.
Coding change: c.1093A>G on transcript NM_001015880.2 (MANE Select); coding-DNA position 1093, A replaced by G.
Protein change: p.Met365Val; replaces methionine 365 with valine.
Molecular consequence: missense variant.
Genome position (GRCh38, 1-based): chr10:87,741,241, A>G. VCF-style: chr10-87741241-A-G. GRCh37 (hg19) VCF-style: chr10-89500998-A-G.
Other names: c.1078A>G, p.Met360Val (NM_004670.4); c.1078A>G (NM_004670.3); short protein forms M360V, M365V.
Identifiers: ClinVar variation 1057686 (VCV001057686.8), dbSNP rs757962903, ClinGen allele CA5589654.
Genomic context (GRCh38, chr10:87,741,241, plus strand): 5'-GATAAAATAGAAATCACAATTAATCATTAGCAATCATAACAATGTTCTTTCTAGATGGTG[A>G]TGGAAAGTGGGGACTGGCTGGTTGGTGGAGACCTTCAGGTGCTGGAGAAAATAAGATGGA-3'
Protein context (NP_001015880.1, residues 355-375): CTKHPHIKMV[Met365Val]ESGDWLVGGD

ClinVar aggregate classification (germline): Uncertain significance. Review status: criteria provided, multiple submitters, no conflicts (2 of 4 stars). 2 submissions from 2 submitters: Uncertain significance (2). Last evaluated 2025-04-01.

Conditions:
Spondyloepimetaphyseal dysplasia, PAPSS2 type. Also called: SEMD, PAKISTANI TYPE; BRACHYOLMIA TYPE 4 WITH MILD EPIPHYSEAL AND METAPHYSEAL CHANGES; SPONDYLODYSPLASIA AND PREMATURE PUBARCHE. Identifiers: Orphanet 93282, MedGen C2748516, MONDO:0019666, OMIM 612847.
Inborn genetic diseases. Identifiers: MedGen C0950123, MeSH D030342.

Allele frequency attached by ClinVar (database versions not stated): gnomAD exomes 0.00001 and below 0.00001; TOPMed 0.00002; ExAC 0.00001.
gnomAD v4.1: 3 of 1,613,816 alleles (0.00019%); highest among the groups gnomAD compares: Admixed American, 0.005%; no homozygotes.

Submissions (2):

Ambry Genetics
Classification: Uncertain significance for Inborn genetic diseases. Last evaluated: 2025-04-01. Review status: criteria provided, single submitter. Criteria: Ambry Variant Classification Scheme 2023. Collection method: clinical testing. Allele origin: germline.

Labcorp Genetics (formerly Invitae), Labcorp
Classification: Uncertain significance for Spondyloepimetaphyseal dysplasia, PAPSS2 type. Last evaluated: 2022-11-08. Review status: criteria provided, single submitter. Criteria: Invitae Variant Classification Sherloc (09022015). Collection method: clinical testing. Allele origin: germline.
Comment: ClinVar contains an entry for this variant (Variation ID: 1057686). In summary, the available evidence is currently insufficient to determine the role of this variant in disease. Therefore, it has been classified as a Variant of Uncertain Significance. Algorithms developed to predict the effect of missense changes on protein structure and function (SIFT, PolyPhen-2, Align-GVGD) all suggest that this variant is likely to be tolerated. This variant has not been reported in the literature in individuals affected with PAPSS2-related conditions. This variant is present in population databases (rs757962903, gnomAD 0.003%). This sequence change replaces methionine, which is neutral and non-polar, with valine, which is neutral and non-polar, at codon 365 of the PAPSS2 protein (p.Met365Val).